The following is an entry in ClinVar:

ClinVar aggregate classification (germline): Likely pathogenic (0 of 4 stars; one submission).

Conditions:
DLL4-related disorder. Also called: DLL4-related condition.

Submission:

PreventionGenetics, part of Exact Sciences
Classification: Likely pathogenic for DLL4-related condition. Last evaluated: 2024-09-23. Review status: no assertion criteria provided. Collection method: clinical testing. Allele origin: germline.
Comment: The DLL4 c.1998C>G variant is predicted to result in premature protein termination (p.Tyr666*). To our knowledge, this variant has not been reported in the literature or in a large population database, indicating this variant is rare. Nonsense variants in DLL4 are expected to be pathogenic. This variant is interpreted as likely pathogenic.

NM_019074.4(DLL4):c.1998C>G (p.Tyr666Ter)

Gene: DLL4 (delta like canonical Notch ligand 4; plus strand). Cytogenetic location: 15q15.1.
Variant type: single nucleotide variant.
Coding change: c.1998C>G on transcript NM_019074.4 (MANE Select); coding-DNA position 1998, C replaced by G.
Protein change: p.Tyr666Ter; replaces tyrosine 666 with a stop codon.
Molecular consequence: nonsense.
Genome position (GRCh38, 1-based): chr15:40,937,472, C>G. VCF-style: chr15-40937472-C-G. GRCh37 (hg19) VCF-style: chr15-41229670-C-G.
Other names: short protein forms Y666*.
Identifiers: ClinVar variation 3346228 (VCV003346228.1).